The following is an entry in ClinVar:

NM_001244008.2(KIF1A):c.4951G>C (p.Ala1651Pro)

Gene: KIF1A (kinesin family member 1A; minus strand). Cytogenetic location: 2q37.3.
Variant type: single nucleotide variant.
Coding change: c.4951G>C on transcript NM_001244008.2 (MANE Select); coding-DNA position 4951, G replaced by C.
Protein change: p.Ala1651Pro; replaces alanine 1651 with proline.
Molecular consequence: missense variant.
Genome position (GRCh38, 1-based): chr2:240,719,844, C>G on the plus strand (G>C on the coding strand, the complement: KIF1A is on the minus strand). VCF-style: chr2-240719844-C-G. GRCh37 (hg19) VCF-style: chr2-241659261-C-G.
Other names: c.4675G>C, p.Ala1559Pro (NM_001320705.2, NM_001379649.1); c.4702G>C, p.Ala1568Pro (NM_001330289.2); c.4750G>C, p.Ala1584Pro (NM_001330290.2, NM_001379648.1); c.5026G>C, p.Ala1676Pro (NM_001379631.1); c.4927G>C, p.Ala1643Pro (NM_001379632.1); c.4924G>C, p.Ala1642Pro (NM_001379633.1, NM_001379645.1); c.4777G>C, p.Ala1593Pro (NM_001379634.1); c.4774G>C, p.Ala1592Pro (NM_001379635.1, NM_001379646.1); and 7 more; short protein forms A1558P, A1567P, A1584P, A1559P, A1575P, A1593P, A1676P, A1549P.
Identifiers: ClinVar variation 1744335 (VCV001744335.2), dbSNP rs112808596, ClinGen allele CA68133999.

ClinVar aggregate classification (germline): Uncertain significance (1 of 4 stars; one submission).

Conditions:
Inborn genetic diseases. Identifiers: MedGen C0950123, MeSH D030342.

Allele frequency attached by ClinVar (database versions not stated): gnomAD 0.00001; TOPMed 0.00001; ESP Exome Variant Server 0.00008.
gnomAD v4.1: 1 of 1,611,602 alleles (0.000062%); highest among the groups gnomAD compares: African/African-American, 0.0013%; no homozygotes.

Submission:

Ambry Genetics
Classification: Uncertain significance for Inborn genetic diseases. Last evaluated: 2021-03-20. Review status: criteria provided, single submitter. Criteria: Ambry Variant Classification Scheme 2023. Collection method: clinical testing. Allele origin: germline.
Comment: The p.A1651P variant (also known as c.4951G>C), located in coding exon 45 of the KIF1A gene, results from a G to C substitution at nucleotide position 4951. The alanine at codon 1651 is replaced by proline, an amino acid with highly similar properties. This amino acid position is not well conserved in available vertebrate species. In addition, this alteration is predicted to be tolerated by in silico analysis. Since supporting evidence is limited at this time, the clinical significance of this alteration remains unclear.